The following is an entry in ClinVar:

ClinVar aggregate classification (germline): Uncertain significance. Review status: criteria provided, multiple submitters, no conflicts (2 of 4 stars). 2 submissions from 2 submitters: Uncertain significance (2). Last evaluated 2024-04-15.

Conditions:
Inborn genetic diseases. Identifiers: MedGen C0950123, MeSH D030342.
Cornelia de Lange syndrome 1 (CDLS1). Also called: TYPUS DEGENERATIVUS AMSTELODAMENSIS; Brachmann de Lange syndrome; NIPBL-Related Cornelia de Lange Syndrome. Identifiers: Orphanet 199, MedGen C4551851, MONDO:0007387, OMIM 122470.

Allele frequency attached by ClinVar (database versions not stated): TOPMed 0.00001; gnomAD 0.00003.
gnomAD v4.1: 4 of 1,613,080 alleles (0.00025%); highest among the groups gnomAD compares: African/African-American, 0.0053%; no homozygotes.

Submissions (2):

Fulgent Genetics
Classification: Uncertain significance for Cornelia de Lange syndrome 1. Last evaluated: 2024-04-15. Review status: criteria provided, single submitter. Criteria: ACMG Guidelines, 2015. Collection method: clinical testing. Allele origin: germline.

Ambry Genetics
Classification: Uncertain significance for Inborn genetic diseases. Last evaluated: 2017-06-09. Review status: criteria provided, single submitter. Criteria: Ambry Variant Classification Scheme 2023. Collection method: clinical testing. Allele origin: germline.
Comment: The p.G290D variant (also known as c.869G>A) is located in coding exon 8 of the NIPBL gene. The glycine at codon 290 is replaced by aspartic acid, an amino acid with similar properties. This change occurs in the first base pair of coding exon 8. This amino acid position is well conserved in available vertebrate species. In addition, the in silico prediction for this alteration is inconclusive. Since supporting evidence is limited at this time, the clinical significance of this alteration remains unclear.

NM_133433.4(NIPBL):c.869G>A (p.Gly290Asp)

Gene: NIPBL (NIPBL cohesin loading factor; plus strand). Cytogenetic location: 5p13.2.
Variant type: single nucleotide variant.
Coding change: c.869G>A on transcript NM_133433.4 (MANE Select); coding-DNA position 869, G replaced by A.
Protein change: p.Gly290Asp; replaces glycine 290 with aspartic acid.
Molecular consequence: missense variant.
Genome position (GRCh38, 1-based): chr5:36,975,776, G>A. VCF-style: chr5-36975776-G-A. GRCh37 (hg19) VCF-style: chr5-36975878-G-A.
Other names: c.869G>A, p.Gly290Asp (NM_015384.5); short protein forms G290D.
Identifiers: ClinVar variation 1764341 (VCV001764341.3), dbSNP rs1359332855, ClinGen allele CA359482044.
Genomic context (GRCh38, chr5:36,975,776, plus strand): 5'-CACATTGTAAGAAAATGTGAAACCACCACAACTGTTACTTCTATCGAATTATTTTTCTAG[G>A]CTCAAGACCACCTTTAATCCTACAATCTCAGTCTCTACCTTGTTCATCACCTCGAGATGT-3'
Protein context (NP_597677.2, residues 280-300): SPAGSEGTPK[Gly290Asp]SRPPLILQSQ